The following is an entry in ClinVar:

NM_001378454.1(ALMS1):c.12361C>T (p.Arg4121Trp)

Gene: ALMS1 (ALMS1 centrosome and basal body associated protein; plus strand). Cytogenetic location: 2p13.1.
Variant type: single nucleotide variant.
Coding change: c.12361C>T on transcript NM_001378454.1 (MANE Select); coding-DNA position 12361, C replaced by T.
Protein change: p.Arg4121Trp; replaces arginine 4121 with tryptophan.
Molecular consequence: missense variant.
Genome position (GRCh38, 1-based): chr2:73,603,303, C>T. VCF-style: chr2-73603303-C-T. GRCh37 (hg19) VCF-style: chr2-73830430-C-T.
Other names: c.12364C>T, p.Arg4122Trp (NM_015120.4); short protein forms R4122W, R4121W.
Identifiers: ClinVar variation 1902250 (VCV001902250.4), dbSNP rs778205604, ClinGen allele CA1715538.

ClinVar aggregate classification (germline): Uncertain significance. Review status: criteria provided, multiple submitters, no conflicts (2 of 4 stars). 2 submissions from 2 submitters: Uncertain significance (2). Last evaluated 2023-02-17.

Conditions:
Cardiovascular phenotype. Identifiers: MedGen CN230736.
Alstrom syndrome (ALMS). Identifiers: Orphanet 64, MedGen C0268425, MONDO:0008763, OMIM 203800.

Allele frequency attached by ClinVar (database versions not stated): gnomAD 0.00001; ExAC 0.00001; gnomAD exomes 0.00001; TOPMed 0.00001.
gnomAD v4.1: 17 of 1,613,866 alleles (0.0011%); highest among the groups gnomAD compares: East Asian, 0.0022%; no homozygotes.

Submissions (2):

Ambry Genetics
Classification: Uncertain significance for Cardiovascular phenotype. Last evaluated: 2023-02-17. Review status: criteria provided, single submitter. Criteria: Ambry Variant Classification Scheme 2023. Collection method: clinical testing. Allele origin: germline.
Comment: The p.R4122W variant (also known as c.12364C>T), located in coding exon 21 of the ALMS1 gene, results from a C to T substitution at nucleotide position 12364. The arginine at codon 4122 is replaced by tryptophan, an amino acid with dissimilar properties. This amino acid position is well conserved in available vertebrate species. In addition, this alteration is predicted to be tolerated by in silico analysis. Since supporting evidence is limited at this time, the clinical significance of this alteration remains unclear.

Labcorp Genetics (formerly Invitae), Labcorp
Classification: Uncertain significance for Alstrom syndrome. Last evaluated: 2022-07-31. Review status: criteria provided, single submitter. Criteria: Invitae Variant Classification Sherloc (09022015). Collection method: clinical testing. Allele origin: germline.
Comment: This sequence change replaces arginine, which is basic and polar, with tryptophan, which is neutral and slightly polar, at codon 4122 of the ALMS1 protein (p.Arg4122Trp). This variant is present in population databases (rs778205604, gnomAD 0.01%). This variant has not been reported in the literature in individuals affected with ALMS1-related conditions. Algorithms developed to predict the effect of missense changes on protein structure and function output the following: SIFT: "Not Available"; PolyPhen-2: "Not Available"; Align-GVGD: "Not Available". The tryptophan amino acid residue is found in multiple mammalian species, which suggests that this missense change does not adversely affect protein function. In summary, the available evidence is currently insufficient to determine the role of this variant in disease. Therefore, it has been classified as a Variant of Uncertain Significance.